The following is an entry in ClinVar:

ClinVar aggregate classification (germline): Likely benign. Review status: criteria provided, multiple submitters, no conflicts (2 of 4 stars). 2 submissions from 2 submitters: Likely benign (2). Last evaluated 2025-07-24.

Conditions:
Generalized epilepsy with febrile seizures plus, type 7 (GEFSP7). Also called: GEFS+, TYPE 7. Identifiers: Orphanet 36387, MedGen C2751778, MONDO:0013470, OMIM 613863.
Neuropathy, hereditary sensory and autonomic, type 2A (HSAN2A). Also called: WNK1-Related HSAN2 (HSAN2A); ACROOSTEOLYSIS, GIACCAI TYPE; ACROOSTEOLYSIS, NEUROGENIC; MORVAN DISEASE; NEUROPATHY, CONGENITAL SENSORY; NEUROPATHY, HEREDITARY SENSORY RADICULAR, AUTOSOMAL RECESSIVE. Identifiers: Orphanet 970, MedGen C2752089, MONDO:0024309, OMIM 201300.

Allele frequency attached by ClinVar (database versions not stated): TOPMed below 0.00001.

Submissions (2):

Labcorp Genetics (formerly Invitae), Labcorp
Classification: Likely benign for Neuropathy, hereditary sensory and autonomic, type 2A; Generalized epilepsy with febrile seizures plus, type 7. Last evaluated: 2025-07-24. Review status: criteria provided, single submitter. Criteria: Invitae Variant Classification Sherloc (09022015). Collection method: clinical testing. Allele origin: germline.

CeGaT Center for Human Genetics Tuebingen
Classification: Likely benign. Last evaluated: 2024-07-01. Review status: criteria provided, single submitter. Criteria: CeGaT Center For Human Genetics Tuebingen Variant Classification Criteria Version 2. Collection method: clinical testing. Allele origin: germline. Affected: yes. Observed: 1 variant allele.
Comment: SCN9A: BP4, BP7

NM_001365536.1(SCN9A):c.1113G>A (p.Leu371=)

Genes: SCN9A (sodium voltage-gated channel alpha subunit 9; minus strand), SCN1A-AS1 (SCN1A and SCN9A antisense RNA 1; plus strand). Cytogenetic location: 2q24.3.
Variant type: single nucleotide variant.
Coding change: c.1113G>A on transcript NM_001365536.1 (MANE Select); coding-DNA position 1113, G replaced by A.
Protein change: p.Leu371=; no amino-acid change (leucine 371 retained).
Molecular consequence: synonymous variant.
Genome position (GRCh38, 1-based): chr2:166,288,638, C>T on the plus strand (G>A on the coding strand, the complement: SCN9A is on the minus strand). VCF-style: chr2-166288638-C-T. GRCh37 (hg19) VCF-style: chr2-167145148-C-T.
Other names: c.1113G>A, p.Leu371= (NM_002977.4).
Identifiers: ClinVar variation 757265 (VCV000757265.25), dbSNP rs1260914439, ClinGen allele CA429905446.
Genomic context (GRCh38, chr2:166,288,638, plus strand): 5'-AAAGGAGCCCAGGAAAATCACTACGACAAAGAAGATCATGTAGGTTTTGCCAGCAGCACG[C>T]AGCGTCTAGGGAAAAATGGAAATTGTCATTTGAACAATAAAAAGTTTTTTTAGTAAATTA-3'
Protein context (NP_001352465.1, residues 361-381): DYWENLYQQT[Leu371=]RAAGKTYMIF